The following is an entry in ClinVar:

NM_002180.3(IGHMBP2):c.333G>C (p.Gln111His)

Gene: IGHMBP2 (immunoglobulin mu DNA binding protein 2; plus strand). Cytogenetic location: 11q13.3.
Variant type: single nucleotide variant.
Coding change: c.333G>C on transcript NM_002180.3 (MANE Select); coding-DNA position 333, G replaced by C.
Protein change: p.Gln111His; replaces glutamine 111 with histidine.
Molecular consequence: missense variant.
Genome position (GRCh38, 1-based): chr11:68,908,221, G>C. VCF-style: chr11-68908221-G-C. GRCh37 (hg19) VCF-style: chr11-68675689-G-C.
Other names: short protein forms Q111H.
Identifiers: ClinVar variation 1428111 (VCV001428111.6), dbSNP rs1858279805, ClinGen allele CA381643153.
Genomic context (GRCh38, chr11:68,908,221, plus strand): 5'-GTACGATGCTGCTAATGAGGGCAGTCAGCTGGCCACTGGGATCTTGACCCGGGTCACCCA[G>C]AAGTCGGTCACGGTGGCCTTTGATGAGTCCCACGATTTCCAGTTGAGCTTGGACCGAGAG-3'
Protein context (NP_002171.2, residues 101-121): LATGILTRVT[Gln111His]KSVTVAFDES

ClinVar aggregate classification (germline): Uncertain significance (1 of 4 stars; one submission).

Conditions:
Charcot-Marie-Tooth disease axonal type 2S. Also called: CHARCOT-MARIE-TOOTH NEUROPATHY, TYPE 2S; CHARCOT-MARIE-TOOTH DISEASE, AXONAL, AUTOSOMAL RECESSIVE, TYPE 2S. Identifiers: Orphanet 443073, MedGen C4015349, MONDO:0014511, OMIM 616155.
Autosomal recessive distal spinal muscular atrophy 1. Also called: NEURONOPATHY, DISTAL HEREDITARY MOTOR, HARDING TYPE VI; NEUROPATHY, DISTAL HEREDITARY MOTOR, AUTOSOMAL RECESSIVE 1; SEVERE INFANTILE AXONAL NEUROPATHY WITH RESPIRATORY FAILURE; SPINAL MUSCULAR ATROPHY, DIAPHRAGMATIC; Spinal muscular atrophy with respiratory distress 1; NEURONOPATHY, SEVERE INFANTILE AXONAL, WITH RESPIRATORY FAILURE. Identifiers: Orphanet 98920, MedGen C1858517, MONDO:0011436, OMIM 604320.

Submission:

Labcorp Genetics (formerly Invitae), Labcorp
Classification: Uncertain significance for Autosomal recessive distal spinal muscular atrophy 1; Charcot-Marie-Tooth disease axonal type 2S. Last evaluated: 2021-09-20. Review status: criteria provided, single submitter. Criteria: Invitae Variant Classification Sherloc (09022015). Collection method: clinical testing. Allele origin: germline.
Comment: In summary, the available evidence is currently insufficient to determine the role of this variant in disease. Therefore, it has been classified as a Variant of Uncertain Significance. Advanced modeling of protein sequence and biophysical properties (such as structural, functional, and spatial information, amino acid conservation, physicochemical variation, residue mobility, and thermodynamic stability) performed at Invitae indicates that this missense variant is not expected to disrupt IGHMBP2 protein function. This variant has not been reported in the literature in individuals affected with IGHMBP2-related conditions. This variant is not present in population databases (ExAC no frequency). This sequence change replaces glutamine with histidine at codon 111 of the IGHMBP2 protein (p.Gln111His). The glutamine residue is moderately conserved and there is a small physicochemical difference between glutamine and histidine.